The following is an entry in ClinVar:

NM_001106.4(ACVR2B):c.*4963T>A

Gene: ACVR2B (activin A receptor type 2B; plus strand). Cytogenetic location: 3p22.2.
Variant type: single nucleotide variant.
Coding change: c.*4963T>A on transcript NM_001106.4 (MANE Select); 4963 bases downstream of the stop codon, T replaced by A.
Molecular consequence: 3 prime UTR variant.
Genome position (GRCh38, 1-based): chr3:38,488,295, T>A. VCF-style: chr3-38488295-T-A. GRCh37 (hg19) VCF-style: chr3-38529786-T-A.
Identifiers: ClinVar variation 344994 (VCV000344994.5), dbSNP rs59630626, ClinGen allele CA10616257.

ClinVar aggregate classification (germline): Benign (1 of 4 stars; one submission).

Conditions:
Heterotaxy, visceral, 4, autosomal (HTX4). Identifiers: Orphanet 450, MedGen C3151057, MONDO:0013403, OMIM 613751.

Allele frequency attached by ClinVar (database versions not stated): gnomAD 0.00408 and 0.00437; TOPMed 0.00498; 1000 Genomes Project 0.00519; 1000 Genomes Project 30x 0.00531.

Submission:

Illumina Laboratory Services, Illumina
Classification: Benign for Heterotaxy, visceral, 4, autosomal. Last evaluated: 2018-01-13. Review status: criteria provided, single submitter. Criteria: ICSL Variant Classification Criteria 13 December 2019. Collection method: clinical testing. Allele origin: germline.
Comment: This variant was observed in the ICSL laboratory as part of a predisposition screen in an ostensibly healthy population. It had not been previously curated by ICSL or reported in the Human Gene Mutation Database (HGMD: prior to June 1st, 2018), and was therefore a candidate for classification through an automated scoring system. Utilizing variant allele frequency, disease prevalence and penetrance estimates, and inheritance mode, an automated score was calculated to assess if this variant is too frequent to cause the disease. Based on the score and internal cut-off values, a variant classified as benign is not then subjected to further curation. The score for this variant resulted in a classification of benign for this disease.